The following is an entry in ClinVar:

ClinVar aggregate classification (germline): Uncertain significance. Review status: criteria provided, multiple submitters, no conflicts (2 of 4 stars). 4 submissions from 4 submitters: Uncertain significance (4). Last evaluated 2025-06-05.

Conditions:
Dilated cardiomyopathy 1G (CMD1G). Identifiers: Orphanet 154, MedGen C1858763, MONDO:0011400, OMIM 604145.
Autosomal recessive limb-girdle muscular dystrophy type 2J (LGMDR10). Also called: MUSCULAR DYSTROPHY, LIMB-GIRDLE, AUTOSOMAL RECESSIVE 10; Limb-girdle muscular dystrophy, type 2J. Identifiers: Orphanet 140922, MedGen C1837342, MONDO:0012127, OMIM 608807.
Myopathy, myofibrillar, 9, with early respiratory failure (MFM9). Also called: EDSTROM MYOPATHY; MYOPATHY, PROXIMAL, WITH EARLY RESPIRATORY MUSCLE INVOLVEMENT; Myopathy, distal, with early respiratory failure, autosomal dominant; Hereditary myopathy with early respiratory failure. Identifiers: Orphanet 178464, Orphanet 34521, MedGen C1863599, MONDO:0011362, OMIM 603689.
Early-onset myopathy with fatal cardiomyopathy (CMYO5). Also called: CONGENITAL MYOPATHY 5 WITH CARDIOMYOPATHY; Salih Myopathy. Identifiers: Orphanet 289377, MedGen C2673677, MONDO:0012714, OMIM 611705. Disease mechanism: loss of function.
Hypertrophic cardiomyopathy 9. Also called: Familial hypertrophic cardiomyopathy 9. Identifiers: MedGen C1861065, MONDO:0013412, OMIM 613765.
Tibial muscular dystrophy (TMD). Also called: UDD MYOPATHY; Tibial muscular dystrophy, tardive; Udd Distal Myopathy – Tibial Muscular Dystrophy. Identifiers: Orphanet 609, MedGen C1838244, MONDO:0010870, OMIM 600334.

Allele frequency attached by ClinVar (database versions not stated): gnomAD 0.00001; ExAC 0.00005; TOPMed 0.00005.
gnomAD v4.1: 22 of 1,613,322 alleles (0.0014%); highest among the groups gnomAD compares: Admixed American, 0.035%; no homozygotes.

Submissions (4):

Mayo Clinic Laboratories, Mayo Clinic
Classification: Uncertain significance. Last evaluated: 2025-06-05. Review status: criteria provided, single submitter. Criteria: ACMG Guidelines, 2015. Collection method: clinical testing. Allele origin: germline. Observed: 1 variant allele.
Comment: BS1, PP3

Fulgent Genetics
Classification: Uncertain significance for Tibial muscular dystrophy; Myopathy, myofibrillar, 9, with early respiratory failure; Dilated cardiomyopathy 1G; Autosomal recessive limb-girdle muscular dystrophy type 2J; Early-onset myopathy with fatal cardiomyopathy; Hypertrophic cardiomyopathy 9. Last evaluated: 2021-10-19. Review status: criteria provided, single submitter. Criteria: ACMG Guidelines, 2015. Collection method: clinical testing. Allele origin: unknown.

Labcorp Genetics (formerly Invitae), Labcorp
Classification: Uncertain significance for Dilated cardiomyopathy 1G; Autosomal recessive limb-girdle muscular dystrophy type 2J. Last evaluated: 2017-03-24. Review status: criteria provided, single submitter. Criteria: Invitae Variant Classification Sherloc (09022015). Collection method: clinical testing. Allele origin: germline.

Biesecker Lab/Clinical Genomics Section, National Institutes of Health
Classification: Uncertain significance. Last evaluated: 2013-06-24. Review status: criteria provided, single submitter. Criteria: Ng et al. (Circ Cardiovasc Genet. 2013). Collection method: research. Allele origin: unknown. Observed: 1 variant allele. Study: ClinSeq.
Comment: The study set was not selected for affection status in relation to any cancer. Pathogenicity categories were based on literature curation. See Pubmed ID:23861362 for details.

Medical sequencing

NM_001267550.2(TTN):c.75982C>A (p.Pro25328Thr)

Genes: TTN (titin; minus strand), TTN-AS1 (TTN antisense RNA 1; plus strand). Cytogenetic location: 2q31.2.
Variant type: single nucleotide variant.
Coding change: c.75982C>A on transcript NM_001267550.2 (MANE Select); coding-DNA position 75982, C replaced by A.
Protein change: p.Pro25328Thr; replaces proline 25328 with threonine.
Molecular consequence: missense variant.
Genome position (GRCh38, 1-based): chr2:178,570,150, G>T on the plus strand (C>A on the coding strand, the complement: TTN is on the minus strand). VCF-style: chr2-178570150-G-T. GRCh37 (hg19) VCF-style: chr2-179434877-G-T.
Other names: p.Pro23687Thr; c.71059C>A, p.Pro23687Thr (NM_001256850.1); c.48787C>A, p.Pro16263Thr (NM_003319.4); c.68278C>A, p.Pro22760Thr (NM_133378.4); c.49162C>A, p.Pro16388Thr (NM_133432.3); c.49363C>A, p.Pro16455Thr (NM_133437.4); short protein forms P22760T, P25328T, P16455T, P16263T, P16388T, P23687T.
Identifiers: ClinVar variation 191894 (VCV000191894.5), dbSNP rs201776072, ClinGen allele CA237803.
Genomic context (GRCh38, chr2:178,570,150, plus strand): 5'-CTTCTTTATCCCGTTTCTCAAGAACATATCCAAGAATTTCACTACCACCATCAGATGCTG[G>T]TCTTTCCCATACAACAATCATTGAGTCCTTGGTCACTGTTGTGACTTCTGGAGCTTTTGG-3'
Protein context (NP_001254479.2, residues 25318-25338): KDSMIVVWER[Pro25328Thr]ASDGGSEILG